The following is an entry in ClinVar:

NM_000038.6(APC):c.6476T>G (p.Phe2159Cys)

Gene: APC (APC regulator of Wnt signaling pathway; plus strand). Cytogenetic location: 5q22.2.
Variant type: single nucleotide variant.
Coding change: c.6476T>G on transcript NM_000038.6 (MANE Select); coding-DNA position 6476, T replaced by G.
Protein change: p.Phe2159Cys; replaces phenylalanine 2159 with cysteine.
Molecular consequence: missense variant. On other transcripts: non-coding transcript variant (2).
Genome position (GRCh38, 1-based): chr5:112,842,070, T>G. VCF-style: chr5-112842070-T-G. GRCh37 (hg19) VCF-style: chr5-112177767-T-G.
Other names: c.6476T>G, p.Phe2159Cys (NM_001127510.3, NM_001354895.2, NM_001407450.1); c.6422T>G, p.Phe2141Cys (NM_001127511.3); c.6530T>G, p.Phe2177Cys (NM_001354896.2, NM_001407447.1, NM_001407448.1 and 1 more transcripts); c.6506T>G, p.Phe2169Cys (NM_001354897.2); c.6401T>G, p.Phe2134Cys (NM_001354898.2); c.6392T>G, p.Phe2131Cys (NM_001354899.2); c.6353T>G, p.Phe2118Cys (NM_001354900.2); c.6299T>G, p.Phe2100Cys (NM_001354901.2, NM_001407453.1); and 11 more; short protein forms F1775C, F2058C, F2068C, F2149C, F2033C, F1876C, F2131C, F2134C.
Identifiers: ClinVar variation 4827301 (VCV004827301.1).
Genomic context (GRCh38, chr5:112,842,070, plus strand): 5'-AATCAGGAATCTCTCTGGGATCACCATTTCATCTTACACCTGATCAAGAAGAAAAACCCT[T>G]TACAAGTAATAAAGGCCCACGAATTCTAAAACCAGGGGAGAAAAGTACATTGGAAACTAA-3'
Protein context (NP_000029.2, residues 2149-2169): HLTPDQEEKP[Phe2159Cys]TSNKGPRILK

ClinVar aggregate classification (germline): Uncertain significance (1 of 4 stars; one submission).

Conditions:
Hereditary cancer-predisposing syndrome. Also called: Neoplastic Syndromes, Hereditary; Tumor predisposition; Hereditary Cancer Syndrome; Hereditary neoplastic syndrome. Identifiers: Orphanet 140162, MedGen C0027672, MeSH D009386, MONDO:0015356.

Submission:

Ambry Genetics
Classification: Uncertain significance for Hereditary cancer-predisposing syndrome. Last evaluated: 2026-03-04. Review status: criteria provided, single submitter. Criteria: Ambry Variant Classification Scheme 2023. Collection method: clinical testing. Allele origin: germline.
Comment: The p.F2159C variant (also known as c.6476T>G), located in coding exon 15 of the APC gene, results from a T to G substitution at nucleotide position 6476. The phenylalanine at codon 2159 is replaced by cysteine, an amino acid with highly dissimilar properties. This amino acid position is conserved. In addition, in silico predictors for this gene do not accurately predict pathogenicity. Based on the available evidence, the clinical significance of this variant remains unclear.